The following is an entry in ClinVar:

NM_001375524.1(TRRAP):c.4895G>A (p.Arg1632His)

Gene: TRRAP (transformation/transcription domain associated protein; plus strand). Cytogenetic location: 7q22.1.
Variant type: single nucleotide variant.
Coding change: c.4895G>A on transcript NM_001375524.1 (MANE Select); coding-DNA position 4895, G replaced by A.
Protein change: p.Arg1632His; replaces arginine 1632 with histidine.
Molecular consequence: missense variant.
Genome position (GRCh38, 1-based): chr7:98,949,523, G>A. VCF-style: chr7-98949523-G-A. GRCh37 (hg19) VCF-style: chr7-98547146-G-A.
Other names: c.4874G>A, p.Arg1625His (NM_001244580.2); c.4820G>A, p.Arg1607His (NM_003496.4); short protein forms R1632H, R1607H, R1625H.
Identifiers: ClinVar variation 4690369 (VCV004690369.3).

ClinVar aggregate classification (germline): Uncertain significance. Review status: criteria provided, multiple submitters, no conflicts (2 of 4 stars). 2 submissions from 2 submitters: Uncertain significance (2). Last evaluated 2025-08-30.

Conditions:
Developmental delay with or without dysmorphic facies and autism. Identifiers: MedGen C5193106, MONDO:0032760, OMIM 618454.
Hearing loss, autosomal dominant 75. Also called: DEAFNESS, AUTOSOMAL DOMINANT 75. Identifiers: MedGen C5394059, MONDO:0032911, OMIM 618778.

gnomAD v4.1: 21 of 1,605,108 alleles (0.0013%); highest among the groups gnomAD compares: Admixed American, 0.0069%; no homozygotes.

Submissions (2):

Labcorp Genetics (formerly Invitae), Labcorp
Classification: Uncertain significance. Last evaluated: 2025-08-30. Review status: criteria provided, single submitter. Criteria: Invitae Variant Classification Sherloc (09022015). Collection method: clinical testing. Allele origin: germline.
Comment: This sequence change replaces arginine, which is basic and polar, with histidine, which is basic and polar, at codon 1607 of the TRRAP protein (p.Arg1607His). This variant is present in population databases (rs3735363, gnomAD 0.009%). This variant has not been reported in the literature in individuals affected with TRRAP-related conditions. An algorithm developed to predict the effect of missense changes on protein structure and function (PolyPhen-2) suggests that this variant is likely to be disruptive. In summary, the available evidence is currently insufficient to determine the role of this variant in disease. Therefore, it has been classified as a Variant of Uncertain Significance.

Juno Genomics, Hangzhou Juno Genomics, Inc
Classification: Uncertain significance for Hearing loss, autosomal dominant 75; Developmental delay with or without dysmorphic facies and autism. Review status: criteria provided, single submitter. Criteria: ACMG Guidelines, 2015. Collection method: clinical testing. Allele origin: germline.
Comment: Absent from controls (or at extremely low frequency if recessive) in Genome Aggregation Database.;Missense variant in a gene that has a low rate of benign missense variation.